The following is an entry in ClinVar:

ClinVar aggregate classification (germline): Uncertain significance (1 of 4 stars; one submission).

Submission:

Ambry Genetics
Classification: Uncertain significance. Last evaluated: 2024-04-01. Review status: criteria provided, single submitter. Criteria: Ambry Variant Classification Scheme 2023. Collection method: clinical testing. Allele origin: germline.
Comment: The p.A249T variant (also known as c.745G>A), located in coding exon 6 of the POLQ gene, results from a G to A substitution at nucleotide position 745. The alanine at codon 249 is replaced by threonine, an amino acid with similar properties. This amino acid position is conserved. In addition, this alteration is predicted to be tolerated by in silico analysis. Based on the available evidence, the clinical significance of this alteration remains unclear.

NM_199420.4(POLQ):c.745G>A (p.Ala249Thr)

Gene: POLQ (DNA polymerase theta; minus strand). Cytogenetic location: 3q13.33.
Variant type: single nucleotide variant.
Coding change: c.745G>A on transcript NM_199420.4 (MANE Select); coding-DNA position 745, G replaced by A.
Protein change: p.Ala249Thr; replaces alanine 249 with threonine.
Molecular consequence: missense variant.
Genome position (GRCh38, 1-based): chr3:121,533,205, C>T on the plus strand (G>A on the coding strand, the complement: POLQ is on the minus strand). VCF-style: chr3-121533205-C-T. GRCh37 (hg19) VCF-style: chr3-121252052-C-T.
Other names: short protein forms A249T.
Identifiers: ClinVar variation 3308615 (VCV003308615.1).